The following is an entry in ClinVar:

NM_000528.4(MAN2B1):c.855dup (p.Glu286fs)

Gene: MAN2B1 (mannosidase alpha class 2B member 1; minus strand). Cytogenetic location: 19p13.13.
Variant type: Duplication.
Coding change: c.855dup on transcript NM_000528.4 (MANE Select); coding-DNA position 855, one base duplicated (C; older notation c.855dupC).
Protein change: p.Glu286fs; shifts the reading frame from glutamic acid 286.
Molecular consequence: frameshift variant.
Genome position (GRCh38, 1-based): chr19:12,663,371, G duplicated on the plus strand (C on the coding strand, the reverse complement: MAN2B1 is on the minus strand); the first of 4 consecutive G bases (chr19:12,663,371-12,663,374); duplicating any one gives the same sequence. VCF-style (leftmost placement, unchanged base first): chr19-12663370-C-CG. GRCh37 (hg19) VCF-style: chr19-12774184-C-CG.
Other names: c.855dup, p.Glu286fs (NM_001173498.2, NM_001440570.1); short protein forms E286fs.
Identifiers: ClinVar variation 5012935 (VCV005012935.1).

ClinVar aggregate classification (germline): Pathogenic (1 of 4 stars; one submission).

Conditions:
Deficiency of alpha-mannosidase (MANSA). Also called: LYSOSOMAL ALPHA-D-MANNOSIDASE DEFICIENCY; Alpha-Mannosidosis; Mannosidosis, alpha-, types I and II. Identifiers: Orphanet 61, MedGen C0024748, MONDO:0009561, OMIM 248500.

Submission:

Myriad Genetics, Inc.
Classification: Pathogenic for Deficiency of alpha-mannosidase. Last evaluated: 2024-04-20. Review status: criteria provided, single submitter. Criteria: Myriad Autosomal Dominant, Autosomal Recessive and X-Linked Classification Criteria (2023). Collection method: clinical testing. Allele origin: unknown.
Comment: NM_000528.3(MAN2B1):c.855dupC(E286Rfs*38) is expected to be pathogenic in the context of alpha-mannosidosis. This variant is predicted to lead to an abnormal or absent protein product due to the creation of a premature termination codon in MAN2B1, a gene where loss-of-function variants are known to be pathogenic. Please note: this variant was assessed in the context of healthy population screening.